The following is an entry in ClinVar:

ClinVar aggregate classification (germline): Uncertain significance. Review status: criteria provided, multiple submitters, no conflicts (2 of 4 stars). 2 submissions from 2 submitters: Uncertain significance (2). Last evaluated 2025-04-01.

Conditions:
Inborn genetic diseases. Identifiers: MedGen C0950123, MeSH D030342.

Allele frequency attached by ClinVar (database versions not stated): gnomAD exomes below 0.00001; TOPMed 0.00001.
gnomAD v4.1: 6 of 1,434,302 alleles (0.00042%); highest among the groups gnomAD compares: Admixed American, 0.0031%; no homozygotes.

Submissions (2):

Ambry Genetics
Classification: Uncertain significance for Inborn genetic diseases. Last evaluated: 2025-04-01. Review status: criteria provided, single submitter. Criteria: Ambry Variant Classification Scheme 2023. Collection method: clinical testing. Allele origin: germline.

Labcorp Genetics (formerly Invitae), Labcorp
Classification: Uncertain significance. Last evaluated: 2022-04-25. Review status: criteria provided, single submitter. Criteria: Invitae Variant Classification Sherloc (09022015). Collection method: clinical testing. Allele origin: germline.
Comment: This sequence change replaces arginine, which is basic and polar, with tryptophan, which is neutral and slightly polar, at codon 918 of the ARHGEF18 protein (p.Arg918Trp). This variant is not present in population databases (gnomAD no frequency). This variant has not been reported in the literature in individuals affected with ARHGEF18-related conditions. Algorithms developed to predict the effect of missense changes on protein structure and function are either unavailable or do not agree on the potential impact of this missense change (SIFT: "Deleterious"; PolyPhen-2: "Probably Damaging"; Align-GVGD: "Class C0"). In summary, the available evidence is currently insufficient to determine the role of this variant in disease. Therefore, it has been classified as a Variant of Uncertain Significance.

NM_001367823.1(ARHGEF18):c.3316C>T (p.Arg1106Trp)

Gene: ARHGEF18 (Rho/Rac guanine nucleotide exchange factor 18; plus strand). Cytogenetic location: 19p13.2.
Variant type: single nucleotide variant.
Coding change: c.3316C>T on transcript NM_001367823.1 (MANE Select); coding-DNA position 3316, C replaced by T.
Protein change: p.Arg1106Trp; replaces arginine 1106 with tryptophan.
Molecular consequence: missense variant.
Genome position (GRCh38, 1-based): chr19:7,467,520, C>T. VCF-style: chr19-7467520-C-T. GRCh37 (hg19) VCF-style: chr19-7532406-C-T.
Other names: c.2590C>T, p.Arg864Trp (NM_001130955.2); c.2278C>T, p.Arg760Trp (NM_001367824.1, NM_015318.4); c.2752C>T (NM_001130955.1); short protein forms R1106W, R864W, R760W.
Identifiers: ClinVar variation 1976605 (VCV001976605.3), dbSNP rs1976722886, ClinGen allele CA403088924.